The following is an entry in ClinVar:

ClinVar aggregate classification (germline): Likely pathogenic (1 of 4 stars; one submission).

Conditions:
Autosomal recessive congenital ichthyosis 1 (LI1). Also called: COLLODION FETUS; DESQUAMATION OF NEWBORN; ICHTHYOSIS CONGENITA; ICHTHYOSIS CONGENITA II; LAMELLAR EXFOLIATION OF NEWBORN; ICHTHYOSIS, CONGENITAL, AUTOSOMAL RECESSIVE 1, WITH BATHING SUIT DISTRIBUTION. Identifiers: MedGen C4551630, MONDO:0009441, OMIM 242300.

Submission:

Department of Medical Genetics, All India Institute of Medical Sciences, Bhopal
Classification: Likely pathogenic for Autosomal recessive congenital ichthyosis 1. Last evaluated: 2026-07-05. Review status: criteria provided, single submitter. Criteria: ACMG Guidelines, 2015. Collection method: clinical testing. Allele origin: biparental. Inheritance: Autosomal recessive inheritance. Affected: yes. Observed: 1 variant allele, 1 homozygote.
Comment: c.877-2_892dup in TGM1 gene has extremely low frequency in gnomAD population databases (PM2), is a non-truncating non-synonymous variant located in a mutational hot spot and/or critical and well-established functional domain (PM1), and associated with protein length changes resulting from in-frame deletions/insertions in a non-repeat region or a stop-loss variant (PM4). No previously reported case for same variant in ClinVar. The c.877-2_892dup meets our criteria to be classified as pathogenic after reannotation using Franklin software.

NM_000359.3(TGM1):c.877-2_892dup

Gene: TGM1 (transglutaminase 1; minus strand). Cytogenetic location: 14q12.
Variant type: Duplication.
Coding change: c.877-2_892dup on transcript NM_000359.3 (MANE Select); the canonical splice acceptor site of the intron before coding-DNA position 877 through coding-DNA position 892, 18 bases duplicated (AGTTTGACCACGGGGTGC).
Molecular consequence: splice acceptor variant.
Genome position (GRCh38, 1-based): chr14:24,259,796-24,259,813, GCACCCCGTGGTCAAACT duplicated on the plus strand (AGTTTGACCACGGGGTGC on the coding strand, the reverse complement: TGM1 is on the minus strand); duplicating any 18 consecutive bases within chr14:24,259,796-24,259,814 gives the same sequence; the c. name uses the placement nearest the transcript's 3' end. VCF-style (leftmost placement, unchanged base first): chr14-24259795-A-AGCACCCCGTGGTCAAACT. GRCh37 (hg19) VCF-style: chr14-24729001-A-AGCACCCCGTGGTCAAACT.
Identifiers: ClinVar variation 4875560 (VCV004875560.1).